The following is an entry in ClinVar:

ClinVar aggregate classification (germline): Benign. Review status: criteria provided, multiple submitters, no conflicts (2 of 4 stars). 5 submissions from 5 submitters: Benign (5). Last evaluated 2021-08-10.

Conditions:
Congenital myasthenic syndrome 12 (CMS12). Also called: Myasthenia, congenital, 12, with tubular aggregates; MYASTHENIC SYNDROME, CONGENITAL, WITH TUBULAR AGGREGATES 1. Identifiers: Orphanet 353327, Orphanet 590, MedGen C3552335, MONDO:0012518, OMIM 610542.

Allele frequency attached by ClinVar (database versions not stated): ESP Exome Variant Server 0.30986; TOPMed 0.30122; 1000 Genomes Project 0.24401; 1000 Genomes Project 30x 0.24375.
gnomAD v4.1: 461,078 of 1,216,722 alleles (38%); highest among the groups gnomAD compares: Non-Finnish European, 41%; 93,521 homozygotes.

Submissions (5):

Genome-Nilou Lab
Classification: Benign for Congenital myasthenic syndrome 12. Last evaluated: 2021-08-10. Review status: criteria provided, single submitter. Criteria: ACMG Guidelines, 2015. Collection method: clinical testing. Allele origin: germline. Affected: no.

Mayo Clinic Laboratories, Mayo Clinic
Classification: Benign. Last evaluated: 2018-09-24. Review status: criteria provided, single submitter. Criteria: ACMG Guidelines, 2015. Collection method: clinical testing. Allele origin: germline. Observed: 28 variant alleles.

GeneDx
Classification: Benign. Last evaluated: 2018-06-19. Review status: criteria provided, single submitter. Criteria: GeneDx Variant Classification (06012015). Collection method: clinical testing. Allele origin: germline. Affected: yes.
Comment: This variant is considered likely benign or benign based on one or more of the following criteria: it is a conservative change, it occurs at a poorly conserved position in the protein, it is predicted to be benign by multiple in silico algorithms, and/or has population frequency not consistent with disease.

Breakthrough Genomics
Classification: Benign. Review status: criteria provided, single submitter. Criteria: ACMG Guidelines, 2015. Collection method: not provided. Allele origin: germline. Inheritance: Autosomal recessive inheritance. Affected: yes.

PreventionGenetics, part of Exact Sciences
Classification: Benign. Review status: criteria provided, single submitter. Criteria: ACMG Guidelines, 2015. Collection method: clinical testing. Allele origin: germline.

NM_001244710.2(GFPT1):c.408+30T>C

Gene: GFPT1 (glutamine--fructose-6-phosphate transaminase 1; minus strand). Cytogenetic location: 2p13.3.
Variant type: single nucleotide variant.
Coding change: c.408+30T>C on transcript NM_001244710.2 (MANE Select); 30 bases into the intron after coding-DNA position 408, T replaced by C.
Molecular consequence: intron variant.
Genome position (GRCh38, 1-based): chr2:69,359,238, A>G on the plus strand (T>C on the coding strand, the complement: GFPT1 is on the minus strand). VCF-style: chr2-69359238-A-G. GRCh37 (hg19) VCF-style: chr2-69586370-A-G.
Other names: p.?; c.408+30T>C (NM_002056.4).
Identifiers: ClinVar variation 258543 (VCV000258543.6), dbSNP rs67760762, ClinGen allele CA1693891.
Genomic context (GRCh38, chr2:69,359,238, plus strand): 5'-GGTGTTTGTTGCACATCCCAACAACCGACCCCAGTGCTCTCGTTAGAAGTATTCTCAAAG[A>G]CTGGGGTCTTTTGAGGTCACCTTACTTACCAAAAACTTTTTCAAGTCTTTGTAGTTGGTG-3'